The following is an entry in ClinVar:

NM_152564.5(VPS13B):c.7893G>A (p.Ala2631=)

Gene: VPS13B (vacuolar protein sorting 13 homolog B; plus strand). Cytogenetic location: 8q22.2.
Variant type: single nucleotide variant.
Coding change: c.7893G>A on transcript NM_152564.5 (MANE Select); coding-DNA position 7893, G replaced by A.
Protein change: p.Ala2631=; no amino-acid change (alanine 2631 retained).
Molecular consequence: synonymous variant.
Genome position (GRCh38, 1-based): chr8:99,784,428, G>A. VCF-style: chr8-99784428-G-A. GRCh37 (hg19) VCF-style: chr8-100796656-G-A.
Other names: c.7893G>A (NM_152564.4); c.7968G>A, p.Ala2656= (NM_017890.5).
Identifiers: ClinVar variation 766386 (VCV000766386.18), dbSNP rs145460276, ClinGen allele CA4824323.
Genomic context (GRCh38, chr8:99,784,428, plus strand): 5'-TGACACACAGGAGACACTGCGGTTTGGCCAGGTGGATACTGATGAAAATATTCTGCTGGC[G>A]AGTCTCCACAGTCACCAGTACAGCTGGCGCTCTCACAAATCCCCACAGGTATTTGAGAAA-3'
Protein context (NP_689777.3, residues 2621-2641): QVDTDENILL[Ala2631=]SLHSHQYSWR

ClinVar aggregate classification (germline): Likely benign. Review status: criteria provided, multiple submitters, no conflicts (2 of 4 stars). 5 submissions from 5 submitters: Likely benign (3). 2 of the submissions do not count toward it. Last evaluated 2026-02-02.

Conditions:
VPS13B-related disorder. Also called: VPS13B-related condition.
Cohen syndrome (COH1). Also called: Cutis verticis gyrata, retinitis pigmentosa, and sensorineural deafness; PEPPER SYNDROME. Identifiers: Orphanet 193, MedGen C0265223, MONDO:0008999, OMIM 216550.

Allele frequency attached by ClinVar (database versions not stated): gnomAD 0.00002; gnomAD exomes 0.00002 and 0.00003; TOPMed 0.00003; ExAC 0.00004; ESP Exome Variant Server 0.00008.
gnomAD v4.1: 28 of 1,613,560 alleles (0.0017%); highest among the groups gnomAD compares: Middle Eastern, 0.016%; no homozygotes.

Submissions (5):

Labcorp Genetics (formerly Invitae), Labcorp
Classification: Likely benign for Cohen syndrome. Last evaluated: 2026-02-02. Review status: criteria provided, single submitter. Criteria: Invitae Variant Classification Sherloc (09022015). Collection method: clinical testing. Allele origin: germline.

CeGaT Center for Human Genetics Tuebingen
Classification: Likely benign. Last evaluated: 2025-12-01. Review status: criteria provided, single submitter. Criteria: CeGaT Center For Human Genetics Tuebingen Variant Classification Criteria Version 2. Collection method: clinical testing. Allele origin: germline. Affected: yes. Observed: 1 variant allele.
Comment: VPS13B: BP4, BP7

Blueprint Genetics
Classification: Likely benign. Last evaluated: 2024-01-17. Review status: criteria provided, single submitter. Criteria: ACMG Guidelines, 2015. Collection method: clinical testing. Allele origin: germline.

PreventionGenetics, part of Exact Sciences
Classification: Likely benign for VPS13B-related condition. Last evaluated: 2021-06-07. Review status: no assertion criteria provided. Collection method: clinical testing. Allele origin: germline. Not counted in ClinVar's aggregate classification.
Comment: This variant is classified as likely benign based on ACMG/AMP sequence variant interpretation guidelines (Richards et al. 2015 PMID: 25741868, with internal and published modifications).

Natera, Inc.
Classification: Likely benign for Cohen syndrome. Last evaluated: 2020-04-16. Review status: no assertion criteria provided. Collection method: clinical testing. Allele origin: germline. Not counted in ClinVar's aggregate classification.